The following is an entry in ClinVar:

ClinVar aggregate classification (germline): Uncertain significance. Review status: criteria provided, multiple submitters, no conflicts (2 of 4 stars). 3 submissions from 3 submitters: Uncertain significance (3). Last evaluated 2023-02-19.

Conditions:
Intellectual developmental disorder, X-linked 1. Also called: Atkin Flaitz Patil Smith syndrome; Intellectual disability, X-linked 1; MENTAL RETARDATION, X-LINKED 18; MENTAL RETARDATION, X-LINKED 78. Identifiers: Orphanet 777, MedGen C2931498, MONDO:0010656, OMIM 309530.
Inborn genetic diseases. Identifiers: MedGen C0950123, MeSH D030342.

Allele frequency attached by ClinVar (database versions not stated): gnomAD exomes below 0.00001; gnomAD 0.00001.

Submissions (3):

Labcorp Genetics (formerly Invitae), Labcorp
Classification: Uncertain significance for Intellectual developmental disorder, X-linked 1. Last evaluated: 2023-02-19. Review status: criteria provided, single submitter. Criteria: Invitae Variant Classification Sherloc (09022015). Collection method: clinical testing. Allele origin: germline.
Comment: Advanced modeling of protein sequence and biophysical properties (such as structural, functional, and spatial information, amino acid conservation, physicochemical variation, residue mobility, and thermodynamic stability) performed at Invitae indicates that this missense variant is not expected to disrupt IQSEC2 protein function. In summary, the available evidence is currently insufficient to determine the role of this variant in disease. Therefore, it has been classified as a Variant of Uncertain Significance. This variant has not been reported in the literature in individuals affected with IQSEC2-related conditions. This variant is present in population databases (no rsID available, gnomAD 0.002%). This sequence change replaces arginine, which is basic and polar, with histidine, which is basic and polar, at codon 1156 of the IQSEC2 protein (p.Arg1156His).

GeneDx
Classification: Uncertain significance. Last evaluated: 2023-02-13. Review status: criteria provided, single submitter. Criteria: GeneDx Variant Classification Process June 2021. Collection method: clinical testing. Allele origin: germline. Affected: yes.
Comment: Not observed at significant frequency in large population cohorts (gnomAD); In silico analysis supports that this missense variant does not alter protein structure/function; Has not been previously published as pathogenic or benign to our knowledge

Ambry Genetics
Classification: Uncertain significance for Inborn genetic diseases. Last evaluated: 2021-05-05. Review status: criteria provided, single submitter. Criteria: Ambry Variant Classification Scheme 2023. Collection method: clinical testing. Allele origin: germline.

NM_001111125.3(IQSEC2):c.3467G>A (p.Arg1156His)

Gene: IQSEC2 (IQ motif and Sec7 domain ArfGEF 2; minus strand). Cytogenetic location: Xp11.22.
Variant type: single nucleotide variant.
Coding change: c.3467G>A on transcript NM_001111125.3 (MANE Select); coding-DNA position 3467, G replaced by A.
Protein change: p.Arg1156His; replaces arginine 1156 with histidine.
Molecular consequence: missense variant. On other transcripts: intron variant (1).
Genome position (GRCh38, 1-based): chrX:53,235,817, C>T on the plus strand (G>A on the coding strand, the complement: IQSEC2 is on the minus strand). VCF-style: chrX-53235817-C-T. GRCh37 (hg19) VCF-style: chrX-53264999-C-T.
Other names: c.2836+505G>A (NM_015075.2); c.3467G>A (NM_001111125.1); short protein forms R1156H.
Identifiers: ClinVar variation 2231093 (VCV002231093.6), dbSNP rs1556859492, ClinGen allele CA413143465.